The following is an entry in ClinVar:

ClinVar aggregate classification (germline): Uncertain significance (1 of 4 stars; one submission).

Conditions:
Pierson syndrome. Also called: MICROCORIA-CONGENITAL NEPHROTIC SYNDROME. Identifiers: Orphanet 2670, MedGen C1836876, MONDO:0012184, OMIM 609049.
LAMB2-related infantile-onset nephrotic syndrome. Also called: Nephrotic Syndrome, type 5; NEPHROTIC SYNDROME, TYPE 5, WITHOUT OCULAR ABNORMALITIES; NEPHROTIC SYNDROME, TYPE 5, WITH OCULAR ABNORMALITIES. Identifiers: Orphanet 306507, MedGen C3280113, MONDO:0013621, OMIM 614199.

Allele frequency attached by ClinVar (database versions not stated): gnomAD exomes below 0.00001 and 0.00003; ExAC 0.00001; TOPMed 0.00002; ESP Exome Variant Server 0.00008.
gnomAD v4.1: 36 of 1,614,160 alleles (0.0022%); highest among the groups gnomAD compares: Non-Finnish European, 0.0029%; no homozygotes.

Submission:

Labcorp Genetics (formerly Invitae), Labcorp
Classification: Uncertain significance for LAMB2-related infantile-onset nephrotic syndrome; Pierson syndrome. Last evaluated: 2021-03-08. Review status: criteria provided, single submitter. Criteria: Invitae Variant Classification Sherloc (09022015). Collection method: clinical testing. Allele origin: germline.
Comment: In summary, the available evidence is currently insufficient to determine the role of this variant in disease. Therefore, it has been classified as a Variant of Uncertain Significance. Algorithms developed to predict the effect of missense changes on protein structure and function output the following: SIFT: "Tolerated"; PolyPhen-2: "Benign"; Align-GVGD: "Class C0". The proline amino acid residue is found in multiple mammalian species, suggesting that this missense change does not adversely affect protein function. These predictions have not been confirmed by published functional studies and their clinical significance is uncertain. This variant has not been reported in the literature in individuals with LAMB2-related conditions. This variant is present in population databases (rs200477330, ExAC 0.002%). This sequence change replaces leucine with proline at codon 803 of the LAMB2 protein (p.Leu803Pro). The leucine residue is weakly conserved and there is a moderate physicochemical difference between leucine and proline.

NM_002292.4(LAMB2):c.2408T>C (p.Leu803Pro)

Gene: LAMB2 (laminin subunit beta 2; minus strand). Cytogenetic location: 3p21.31.
Variant type: single nucleotide variant.
Coding change: c.2408T>C on transcript NM_002292.4 (MANE Select); coding-DNA position 2408, T replaced by C.
Protein change: p.Leu803Pro; replaces leucine 803 with proline.
Molecular consequence: missense variant.
Genome position (GRCh38, 1-based): chr3:49,125,827, A>G on the plus strand (T>C on the coding strand, the complement: LAMB2 is on the minus strand). VCF-style: chr3-49125827-A-G. GRCh37 (hg19) VCF-style: chr3-49163260-A-G.
Other names: short protein forms L803P.
Identifiers: ClinVar variation 1058636 (VCV001058636.3), dbSNP rs200477330, ClinGen allele CA2394307.